The following is an entry in ClinVar:

ClinVar aggregate classification (germline): Uncertain significance (1 of 4 stars; one submission).

Submission:

Labcorp Genetics (formerly Invitae), Labcorp
Classification: Uncertain significance. Last evaluated: 2023-06-13. Review status: criteria provided, single submitter. Criteria: Invitae Variant Classification Sherloc (09022015). Collection method: clinical testing. Allele origin: germline.
Comment: In summary, the available evidence is currently insufficient to determine the role of this variant in disease. Therefore, it has been classified as a Variant of Uncertain Significance. An algorithm developed to predict the effect of missense changes on protein structure and function (PolyPhen-2) suggests that this variant is likely to be disruptive. ClinVar contains an entry for this variant (Variation ID: 941486). This variant has not been reported in the literature in individuals affected with CTNNA1-related conditions. This variant is not present in population databases (gnomAD no frequency). This sequence change replaces alanine, which is neutral and non-polar, with serine, which is neutral and polar, at codon 784 of the CTNNA1 protein (p.Ala784Ser).

NM_001903.5(CTNNA1):c.2350G>T (p.Ala784Ser)

Gene: CTNNA1 (catenin alpha 1; plus strand). Cytogenetic location: 5q31.2.
Variant type: single nucleotide variant.
Coding change: c.2350G>T on transcript NM_001903.5 (MANE Select); coding-DNA position 2350, G replaced by T.
Protein change: p.Ala784Ser; replaces alanine 784 with serine.
Molecular consequence: missense variant. On other transcripts: intron variant (1).
Genome position (GRCh38, 1-based): chr5:138,932,629, G>T. VCF-style: chr5-138932629-G-T. GRCh37 (hg19) VCF-style: chr5-138268318-G-T.
Other names: c.2350G>T, p.Ala784Ser (NM_001290307.3, NM_001323982.2, NM_001323983.1 and 2 more transcripts); c.2041G>T, p.Ala681Ser (NM_001290309.3); c.1981G>T, p.Ala661Ser (NM_001290310.3); c.1240G>T, p.Ala414Ser (NM_001290312.1, NM_001323987.1, NM_001323988.1 and 16 more transcripts); c.2257G>T, p.Ala753Ser (NM_001323986.2); c.901G>T, p.Ala301Ser (NM_001324006.1, NM_001324007.1, NM_001324008.1 and 2 more transcripts); c.1147G>T, p.Ala383Ser (NM_001324011.1); c.997G>T, p.Ala333Ser (NM_001324012.1, NM_001324013.1); and 1 more; short protein forms A414S, A661S, A753S, A784S, A301S, A333S, A383S, A681S.
Identifiers: ClinVar variation 941486 (VCV000941486.7), dbSNP rs1204441821, ClinGen allele CA361134383.